The following is an entry in ClinVar:

NM_022489.4(INF2):c.1511C>A (p.Pro504Gln)

Gene: INF2 (inverted formin 2; plus strand). Cytogenetic location: 14q32.33.
Variant type: single nucleotide variant.
Coding change: c.1511C>A on transcript NM_022489.4 (MANE Select); coding-DNA position 1511, C replaced by A.
Protein change: p.Pro504Gln; replaces proline 504 with glutamine.
Molecular consequence: missense variant.
Genome position (GRCh38, 1-based): chr14:104,707,778, C>A. VCF-style: chr14-104707778-C-A. GRCh37 (hg19) VCF-style: chr14-105174115-C-A.
Other names: c.1511C>A, p.Pro504Gln (NM_001031714.4, NM_001426862.1, NM_001426863.1 and 2 more transcripts); short protein forms P504Q.
Identifiers: ClinVar variation 2921671 (VCV002921671.3), dbSNP rs1436237192, ClinGen allele CA391217339.

ClinVar aggregate classification (germline): Uncertain significance (1 of 4 stars; one submission).

Conditions:
Charcot-Marie-Tooth disease dominant intermediate E. Also called: CHARCOT-MARIE-TOOTH NEUROPATHY WITH FOCAL SEGMENTAL GLOMERULONEPHRITIS. Identifiers: Orphanet 93114, MedGen C4302667, MONDO:0013758, OMIM 614455.
Focal segmental glomerulosclerosis 5 (FSGS5). Identifiers: Orphanet 656, MedGen C2750475, MONDO:0013191, OMIM 613237.

Allele frequency attached by ClinVar (database versions not stated): gnomAD exomes below 0.00001; gnomAD 0.00001.
gnomAD v4.1: 5 of 1,377,964 alleles (0.00036%); highest among the groups gnomAD compares: Non-Finnish European, 0.0004%; no homozygotes.

Submission:

Labcorp Genetics (formerly Invitae), Labcorp
Classification: Uncertain significance for Charcot-Marie-Tooth disease dominant intermediate E; Focal segmental glomerulosclerosis 5. Last evaluated: 2022-12-07. Review status: criteria provided, single submitter. Criteria: Invitae Variant Classification Sherloc (09022015). Collection method: clinical testing. Allele origin: germline.
Comment: Advanced modeling of protein sequence and biophysical properties (such as structural, functional, and spatial information, amino acid conservation, physicochemical variation, residue mobility, and thermodynamic stability) has been performed at Invitae for this missense variant, however the output from this modeling did not meet the statistical confidence thresholds required to predict the impact of this variant on INF2 protein function. In summary, the available evidence is currently insufficient to determine the role of this variant in disease. Therefore, it has been classified as a Variant of Uncertain Significance. This variant has not been reported in the literature in individuals affected with INF2-related conditions. The frequency data for this variant in the population databases is considered unreliable, as metrics indicate poor data quality at this position in the gnomAD database. This sequence change replaces proline, which is neutral and non-polar, with glutamine, which is neutral and polar, at codon 504 of the INF2 protein (p.Pro504Gln).